The following is an entry in ClinVar:

ClinVar aggregate classification (germline): Uncertain significance (1 of 4 stars; one submission).

Conditions:
Alpha thalassemia-X-linked intellectual disability syndrome (ATRX). Also called: ALPHA-THALASSEMIA/MENTAL RETARDATION SYNDROME, X-LINKED; ATR, NONDELETION TYPE; ATR-X syndrome; Alpha thalassemia mental retardation syndrome, nondeletion type, X-linked; XLMR hypotonic face syndrome; X-linked alpha-thalassemia-mental retardation syndrome. Identifiers: Orphanet 847, MedGen C1845055, MONDO:0010519, OMIM 301040.

Submission:

Labcorp Genetics (formerly Invitae), Labcorp
Classification: Uncertain significance for Alpha thalassemia-X-linked intellectual disability syndrome. Last evaluated: 2023-03-07. Review status: criteria provided, single submitter. Criteria: Invitae Variant Classification Sherloc (09022015). Collection method: clinical testing. Allele origin: germline.
Comment: In summary, the available evidence is currently insufficient to determine the role of this variant in disease. Therefore, it has been classified as a Variant of Uncertain Significance. Advanced modeling of protein sequence and biophysical properties (such as structural, functional, and spatial information, amino acid conservation, physicochemical variation, residue mobility, and thermodynamic stability) performed at Invitae indicates that this missense variant is not expected to disrupt ATRX protein function. This variant has not been reported in the literature in individuals affected with ATRX-related conditions. This variant is not present in population databases (gnomAD no frequency). This sequence change replaces lysine, which is basic and polar, with methionine, which is neutral and non-polar, at codon 72 of the ATRX protein (p.Lys72Met).

NM_000489.6(ATRX):c.215A>T (p.Lys72Met)

Gene: ATRX (ATRX chromatin remodeler; minus strand). Cytogenetic location: Xq21.1.
Variant type: single nucleotide variant.
Coding change: c.215A>T on transcript NM_000489.6 (MANE Select); coding-DNA position 215, A replaced by T.
Protein change: p.Lys72Met; replaces lysine 72 with methionine.
Molecular consequence: missense variant.
Genome position (GRCh38, 1-based): chrX:77,697,610, T>A on the plus strand (A>T on the coding strand, the complement: ATRX is on the minus strand). VCF-style: chrX-77697610-T-A. GRCh37 (hg19) VCF-style: chrX-76953098-T-A.
Other names: c.215A>T, p.Lys72Met (NM_138270.5); short protein forms K72M.
Identifiers: ClinVar variation 3004618 (VCV003004618.3), dbSNP rs2148681433, ClinGen allele CA413724285.